The following is an entry in ClinVar:

ClinVar aggregate classification (germline): Uncertain significance (1 of 4 stars; one submission).

Conditions:
Hyper-IgE recurrent infection syndrome 1, autosomal dominant. Also called: STAT3 Hyper IgE Syndrome; Hyper-IgE recurrent infection syndrome 1; JOB SYNDROME; Job's Syndrome; HYPER-IgE SYNDROME 1, AUTOSOMAL DOMINANT, WITH RECURRENT INFECTIONS. Identifiers: Orphanet 2314, MedGen C2936739, MONDO:0007818, OMIM 147060.
STAT3 gain of function. Identifiers: MedGen C4288261.

Submission:

Labcorp Genetics (formerly Invitae), Labcorp
Classification: Uncertain significance for STAT3 gain of function; Hyper-IgE recurrent infection syndrome 1, autosomal dominant. Last evaluated: 2024-05-19. Review status: criteria provided, single submitter. Criteria: Invitae Variant Classification Sherloc (09022015). Collection method: clinical testing. Allele origin: germline.
Comment: This variant, c.1967_1981del, results in the deletion of 5 amino acid(s) of the STAT3 protein (p.Gly656_Met660del), but otherwise preserves the integrity of the reading frame. This variant is not present in population databases (gnomAD no frequency). This variant has been observed in individual(s) with hyper IgE syndrome (PMID: 30732127). In at least one individual the variant was observed to be de novo. Experimental studies and prediction algorithms are not available or were not evaluated, and the functional significance of this variant is currently unknown. In summary, the available evidence is currently insufficient to determine the role of this variant in disease. Therefore, it has been classified as a Variant of Uncertain Significance.

Literature cited by the submitters: PubMed 30732127.

NM_139276.3(STAT3):c.1967_1981del (p.Gly656_Met660del)

Gene: STAT3 (signal transducer and activator of transcription 3; minus strand). Cytogenetic location: 17q21.2.
Variant type: Deletion.
Coding change: c.1967_1981del on transcript NM_139276.3 (MANE Select); coding-DNA positions 1967 to 1981, 15 bases deleted (GCTATAAGATCATGG).
Protein change: p.Gly656_Met660del.
Molecular consequence: inframe deletion.
Genome position (GRCh38, 1-based): chr17:42,322,402-42,322,416, CCATGATCTTATAGC deleted on the plus strand (GCTATAAGATCATGG on the coding strand, the reverse complement: STAT3 is on the minus strand); deleting any 15 consecutive bases within chr17:42,322,402-42,322,423 gives the same sequence; the c. name uses the placement nearest the transcript's 3' end. VCF-style (leftmost placement, unchanged base first): chr17-42322401-TCCATGATCTTATAGC-T. GRCh37 (hg19) VCF-style: chr17-40474419-TCCATGATCTTATAGC-T.
Other names: c.1967_1981del, p.Gly656_Met660del (NM_001369512.1, NM_001369513.1, NM_001369514.1 and 9 more transcripts); c.1883_1897del, p.Gly628_Met632del (NM_001384984.1); c.1889_1903del, p.Gly630_Met634del (NM_001384985.1); c.1982_1996del, p.Gly661_Met665del (NM_001384986.1, NM_001384990.1); c.1946_1960del, p.Gly649_Met653del (NM_001384987.1); c.1871_1885del, p.Gly624_Met628del (NM_001384989.1); c.1940_1954del, p.Gly647_Met651del (NM_001384991.1); c.1907_1921del, p.Gly636_Met640del (NM_001384992.1).
Identifiers: ClinVar variation 3761824 (VCV003761824.2).